The following is an entry in ClinVar:

ClinVar aggregate classification (germline): Uncertain significance (1 of 4 stars; one submission).

Conditions:
Familial thoracic aortic aneurysm and aortic dissection (TAAD). Also called: Thoracic aortic aneurysms and dissections. Identifiers: Orphanet 91387, MedGen C4707243, MONDO:0019625.

gnomAD v4.1: 5 of 1,614,076 alleles (0.00031%); highest among the groups gnomAD compares: Non-Finnish European, 0.00034%; no homozygotes.

Submission:

Ambry Genetics
Classification: Uncertain significance for Familial thoracic aortic aneurysm and aortic dissection. Last evaluated: 2024-07-31. Review status: criteria provided, single submitter. Criteria: Ambry Variant Classification Scheme 2023. Collection method: clinical testing. Allele origin: germline.
Comment: The p.T694S variant (also known as c.2081C>G), located in coding exon 12 of the MYLK gene, results from a C to G substitution at nucleotide position 2081. The threonine at codon 694 is replaced by serine, an amino acid with similar properties. This amino acid position is well conserved in available vertebrate species. In addition, this alteration is predicted to be tolerated by in silico analysis. Based on the available evidence, the clinical significance of this variant remains unclear.

NM_053025.4(MYLK):c.2081C>G (p.Thr694Ser)

Gene: MYLK (myosin light chain kinase; minus strand). Cytogenetic location: 3q21.1.
Variant type: single nucleotide variant.
Coding change: c.2081C>G on transcript NM_053025.4 (MANE Select); coding-DNA position 2081, C replaced by G.
Protein change: p.Thr694Ser; replaces threonine 694 with serine.
Molecular consequence: missense variant.
Genome position (GRCh38, 1-based): chr3:123,708,757, G>C on the plus strand (C>G on the coding strand, the complement: MYLK is on the minus strand). VCF-style: chr3-123708757-G-C. GRCh37 (hg19) VCF-style: chr3-123427604-G-C.
Other names: c.1553C>G, p.Thr518Ser (NM_001321309.2); c.1874C>G, p.Thr625Ser (NM_053026.4, NM_053028.4); c.2081C>G, p.Thr694Ser (NM_053027.4); short protein forms T694S, T518S, T625S.
Identifiers: ClinVar variation 3401086 (VCV003401086.1).
Genomic context (GRCh38, chr3:123,708,757, plus strand): 5'-CCTTGTACCGTGAGCACGGCCTGGGTGCGGACCTCTCCAGCGCTGTTCCAGGCCTCGCAG[G>C]TGTACGTGCCCGTGTCCTCCGGGAACACTTCCTGGATACAAAGGCTGTGCTGAGTTCCTC-3'
Protein context (NP_444253.3, residues 684-704): EVFPEDTGTY[Thr694Ser]CEAWNSAGEV